The following is an entry in ClinVar:

ClinVar aggregate classification (germline): Pathogenic (1 of 4 stars; one submission).

Conditions:
Immunodeficiency 18 (IMD18). Also called: CD3-EPSILON DEFICIENCY; CD3epsilon deficiency. Identifiers: MedGen C3810127, MONDO:0014278, OMIM 615615.

Submission:

Labcorp Genetics (formerly Invitae), Labcorp
Classification: Pathogenic for Immunodeficiency 18. Last evaluated: 2023-12-20. Review status: criteria provided, single submitter. Criteria: Invitae Variant Classification Sherloc (09022015). Collection method: clinical testing. Allele origin: germline.
Comment: This sequence change creates a premature translational stop signal (p.Lys64*) in the CD3E gene. It is expected to result in an absent or disrupted protein product. Loss-of-function variants in CD3E are known to be pathogenic (PMID: 8490660, 15546002). This variant is not present in population databases (gnomAD no frequency). This variant has not been reported in the literature in individuals affected with CD3E-related conditions. Algorithms developed to predict the effect of sequence changes on RNA splicing suggest that this variant may disrupt the consensus splice site. For these reasons, this variant has been classified as Pathogenic.

Literature cited by the submitters: PubMed 8490660; PubMed 15546002.

NM_000733.4(CD3E):c.190A>T (p.Lys64Ter)

Gene: CD3E (CD3 epsilon subunit of T-cell receptor complex; plus strand). Cytogenetic location: 11q23.3.
Variant type: single nucleotide variant.
Coding change: c.190A>T on transcript NM_000733.4 (MANE Select); coding-DNA position 190, A replaced by T.
Protein change: p.Lys64Ter; replaces lysine 64 with a stop codon.
Molecular consequence: nonsense.
Genome position (GRCh38, 1-based): chr11:118,312,704, A>T. VCF-style: chr11-118312704-A-T. GRCh37 (hg19) VCF-style: chr11-118183419-A-T.
Other names: short protein forms K64*.
Identifiers: ClinVar variation 2704456 (VCV002704456.3), dbSNP rs1948142385, ClinGen allele CA382782086.